The following is an entry in ClinVar:

ClinVar aggregate classification (germline): Uncertain significance (1 of 4 stars; one submission).

Conditions:
Hereditary cancer-predisposing syndrome. Also called: Neoplastic Syndromes, Hereditary; Tumor predisposition; Hereditary neoplastic syndrome; Hereditary Cancer Syndrome. Identifiers: Orphanet 140162, MedGen C0027672, MeSH D009386, MONDO:0015356.

Allele frequency attached by ClinVar (database versions not stated): gnomAD exomes below 0.00001; 1000 Genomes Project 30x 0.00016; 1000 Genomes Project 0.00020.

Submission:

Ambry Genetics
Classification: Uncertain significance for Hereditary cancer-predisposing syndrome. Last evaluated: 2023-12-07. Review status: criteria provided, single submitter. Criteria: Ambry Variant Classification Scheme 2023. Collection method: clinical testing. Allele origin: germline.
Comment: The p.S1892T variant (also known as c.5675G>C), located in coding exon 41 of the POLE gene, results from a G to C substitution at nucleotide position 5675. The serine at codon 1892 is replaced by threonine, an amino acid with similar properties. This amino acid position is conserved. In addition, this alteration is predicted to be tolerated by in silico analysis. Since supporting evidence is limited at this time, the clinical significance of this alteration remains unclear.

NM_006231.4(POLE):c.5675G>C (p.Ser1892Thr)

Gene: POLE (DNA polymerase epsilon, catalytic subunit; minus strand). Cytogenetic location: 12q24.33.
Variant type: single nucleotide variant.
Coding change: c.5675G>C on transcript NM_006231.4 (MANE Select); coding-DNA position 5675, G replaced by C.
Protein change: p.Ser1892Thr; replaces serine 1892 with threonine.
Molecular consequence: missense variant.
Genome position (GRCh38, 1-based): chr12:132,638,017, C>G on the plus strand (G>C on the coding strand, the complement: POLE is on the minus strand). VCF-style: chr12-132638017-C-G. GRCh37 (hg19) VCF-style: chr12-133214603-C-G.
Other names: short protein forms S1892T.
Identifiers: ClinVar variation 3225488 (VCV003225488.1), dbSNP rs114173192, ClinGen allele CA246298551.